The following is an entry in ClinVar:

NM_002143.3(HPCA):c.225C>A (p.Asn75Lys)

Gene: HPCA (hippocalcin; plus strand). Cytogenetic location: 1p35.1.
Variant type: single nucleotide variant.
Coding change: c.225C>A on transcript NM_002143.3 (MANE Select); coding-DNA position 225, C replaced by A.
Protein change: p.Asn75Lys; replaces asparagine 75 with lysine.
Molecular consequence: missense variant.
Genome position (GRCh38, 1-based): chr1:32,889,123, C>A. VCF-style: chr1-32889123-C-A. GRCh37 (hg19) VCF-style: chr1-33354724-C-A.
Other names: short protein forms N75K.
Identifiers: ClinVar variation 190118 (VCV000190118.4), dbSNP rs786205675, ClinGen allele CA214566.

ClinVar aggregate classification (germline): Conflicting classifications of pathogenicity. Review status: no assertion criteria provided (0 of 4 stars). 2 submissions from 2 submitters: Pathogenic (1); Uncertain significance (1). Last evaluated 2015-04-02.

Conditions:
Torsion dystonia 2 (DYT2). Identifiers: Orphanet 99657, MedGen C1857093, MONDO:0009141, OMIM 224500.

Allele frequency attached by ClinVar (database versions not stated): gnomAD exomes below 0.00001.

Submissions (2):

OMIM
Classification: Pathogenic for DYSTONIA 2, TORSION, AUTOSOMAL RECESSIVE. Last evaluated: 2015-04-02. Review status: no assertion criteria provided. Collection method: literature only. Allele origin: germline.

Hong-Tao Li Lab, Institute of Brain Science and Brain-inspired Research, Shandong First Medical University & Shandong Academy of Medical Sciences China
Classification: Uncertain significance for Torsion dystonia 2. Review status: no assertion criteria provided. Collection method: research. Allele origin: germline. Inheritance: Autosomal recessive inheritance. Affected: yes. Observed: 1 variant allele, 1 homozygote.
Comment: Observed in affected individuals from a Pakistani neurodevelopmental-disorder research cohort of 263 individuals. Classification assigned using the ACMG/AMP framework.

Literature cited by the submitters: PubMed 6115727 (cited by OMIM); PubMed 14694054 (cited by OMIM); PubMed 25799108 (cited by OMIM).